The following is an entry in ClinVar:

NM_000194.3(HPRT1):c.500G>T (p.Arg167Met)

Gene: HPRT1 (hypoxanthine phosphoribosyltransferase 1; plus strand). Cytogenetic location: Xq26.2.
Variant type: single nucleotide variant.
Coding change: c.500G>T on transcript NM_000194.3 (MANE Select); coding-DNA position 500, G replaced by T.
Protein change: p.Arg167Met; replaces arginine 167 with methionine.
Molecular consequence: missense variant.
Genome position (GRCh38, 1-based): chrX:134,498,404, G>T. VCF-style: chrX-134498404-G-T. GRCh37 (hg19) VCF-style: chrX-133632434-G-T.
Other names: short protein forms R167M.
Identifiers: ClinVar variation 4537556 (VCV004537556.1).

ClinVar aggregate classification (germline): Likely pathogenic (1 of 4 stars; one submission).

Submission:

GeneDx
Classification: Likely pathogenic. Last evaluated: 2025-06-11. Review status: criteria provided, single submitter. Criteria: GeneDx Variant Classification Process June 2021. Collection method: clinical testing. Allele origin: germline. Affected: yes.
Comment: Not observed at significant frequency in large population cohorts (gnomAD); In silico analysis supports that this missense variant has a deleterious effect on protein structure/function; This variant is associated with the following publications: (PMID: 22908952, 25481104, 28192196, 20558399)